The following is an entry in ClinVar:

ClinVar aggregate classification (germline): Conflicting classifications of pathogenicity. Review status: criteria provided, conflicting classifications (1 of 4 stars). 2 submissions from 2 submitters: Uncertain significance (1); Likely benign (1). Last evaluated 2025-07-08.

Conditions:
Left ventricular noncompaction 8 (LVNC8). Identifiers: Orphanet 154, Orphanet 54260, MedGen C3809288, MONDO:0014152, OMIM 615373.

Allele frequency attached by ClinVar (database versions not stated): gnomAD 0.00001; gnomAD exomes 0.00001; TOPMed 0.00003.
gnomAD v4.1: 5 of 1,551,388 alleles (0.00032%); highest among the groups gnomAD compares: East Asian, 0.0097%; no homozygotes.

Submissions (2):

GeneDx
Classification: Uncertain significance. Last evaluated: 2025-07-08. Review status: criteria provided, single submitter. Criteria: GeneDx Variant Classification Process June 2021. Collection method: clinical testing. Allele origin: germline. Affected: yes.
Comment: Not observed at significant frequency in large population cohorts (gnomAD); In silico analysis suggests that this variant does not alter splicing; Has not been previously published as pathogenic or benign to our knowledge

Labcorp Genetics (formerly Invitae), Labcorp
Classification: Likely benign for Left ventricular noncompaction 8. Last evaluated: 2024-08-08. Review status: criteria provided, single submitter. Criteria: Invitae Variant Classification Sherloc (09022015). Collection method: clinical testing. Allele origin: germline.

NM_022114.4(PRDM16):c.3501G>A (p.Val1167=)

Gene: PRDM16 (PR/SET domain 16; plus strand). Cytogenetic location: 1p36.32.
Variant type: single nucleotide variant.
Coding change: c.3501G>A on transcript NM_022114.4 (MANE Select); coding-DNA position 3501, G replaced by A.
Protein change: p.Val1167=; no amino-acid change (valine 1167 retained).
Molecular consequence: synonymous variant.
Genome position (GRCh38, 1-based): chr1:3,431,088, G>A. VCF-style: chr1-3431088-G-A. GRCh37 (hg19) VCF-style: chr1-3347652-G-A.
Other names: c.3501G>A, p.Val1167= (NM_199454.3); c.3501G>A (NM_022114.3).
Identifiers: ClinVar variation 2719756 (VCV002719756.5), dbSNP rs1270496059, ClinGen allele CA415537508.